The following is an entry in ClinVar:

NM_001367624.2(ZNF469):c.11737G>A (p.Gly3913Ser)

Gene: ZNF469 (zinc finger protein 469; plus strand). Cytogenetic location: 16q24.2.
Variant type: single nucleotide variant.
Coding change: c.11737G>A on transcript NM_001367624.2 (MANE Select); coding-DNA position 11737, G replaced by A.
Protein change: p.Gly3913Ser; replaces glycine 3913 with serine.
Molecular consequence: missense variant.
Genome position (GRCh38, 1-based): chr16:88,439,207, G>A. VCF-style: chr16-88439207-G-A. GRCh37 (hg19) VCF-style: chr16-88505615-G-A.
Other names: p.Gly3913Ser; short protein forms G3913S.
Identifiers: ClinVar variation 2683384 (VCV002683384.2), dbSNP rs929995128, ClinGen allele CA286388478.

ClinVar aggregate classification (germline): Uncertain significance (1 of 4 stars; one submission).

Allele frequency attached by ClinVar (database versions not stated): TOPMed 0.00002; gnomAD 0.00003; 1000 Genomes Project 30x 0.00016.
gnomAD v4.1: 43 of 1,550,140 alleles (0.0028%); highest among the groups gnomAD compares: Middle Eastern, 0.017%; no homozygotes.

Submission:

Mayo Clinic Laboratories, Mayo Clinic
Classification: Uncertain significance. Last evaluated: 2024-11-05. Review status: criteria provided, single submitter. Criteria: ACMG Guidelines, 2015. Collection method: clinical testing. Allele origin: germline. Observed: 2 variant alleles.
Comment: BP4_strong